The following is an entry in ClinVar:

NM_000059.4(BRCA2):c.6463C>A (p.Leu2155Ile)

Gene: BRCA2 (BRCA2 DNA repair associated; plus strand). Cytogenetic location: 13q13.1.
Variant type: single nucleotide variant.
Coding change: c.6463C>A on transcript NM_000059.4 (MANE Select); coding-DNA position 6463, C replaced by A.
Protein change: p.Leu2155Ile; replaces leucine 2155 with isoleucine.
Molecular consequence: missense variant.
Genome position (GRCh38, 1-based): chr13:32,340,818, C>A. VCF-style: chr13-32340818-C-A. GRCh37 (hg19) VCF-style: chr13-32914955-C-A.
Other names: c.6463C>A, p.Leu2155Ile (NM_001406719.1, NM_001406720.1); short protein forms L2155I.
Identifiers: ClinVar variation 1753670 (VCV001753670.4), dbSNP rs775035051, ClinGen allele CA247513851.
Genomic context (GRCh38, chr13:32,340,818, plus strand): 5'-AACTTAAATGTTGAAGGTGGTTCTTCAGAAAATAATCACTCTATTAAAGTTTCTCCATAT[C>A]TCTCTCAATTTCAACAAGACAAACAACAGTTGGTATTAGGAACCAAAGTGTCACTTGTTG-3'
Protein context (NP_000050.3, residues 2145-2165): NNHSIKVSPY[Leu2155Ile]SQFQQDKQQL

ClinVar aggregate classification (germline): Conflicting classifications of pathogenicity. Review status: criteria provided, conflicting classifications (1 of 4 stars). 2 submissions from 2 submitters: Uncertain significance (1); Likely benign (1). Last evaluated 2023-03-23.

Conditions:
Hereditary cancer-predisposing syndrome. Also called: Neoplastic Syndromes, Hereditary; Tumor predisposition; Hereditary Cancer Syndrome; Hereditary neoplastic syndrome. Identifiers: Orphanet 140162, MedGen C0027672, MeSH D009386, MONDO:0015356.

Allele frequency attached by ClinVar (database versions not stated): TOPMed 0.00001.

Submissions (2):

University of Washington Department of Laboratory Medicine, University of Washington
Classification: Likely benign for Hereditary cancer-predisposing syndrome. Last evaluated: 2023-03-23. Review status: criteria provided, single submitter. Criteria: Dines et al. (Genet Med. 2020). Collection method: curation. Allele origin: germline.
Comment: Missense variant in a coldspot region where missense variants are very unlikely to be pathogenic (PMID:31911673).

BRCA2 exon 11 coldspot. Reclassification based on statistical prior probability.

Ambry Genetics
Classification: Uncertain significance for Hereditary cancer-predisposing syndrome. Last evaluated: 2019-06-05. Review status: criteria provided, single submitter. Criteria: Ambry Variant Classification Scheme 2023. Collection method: clinical testing. Allele origin: germline.
Comment: The p.L2155I variant (also known as c.6463C>A), located in coding exon 10 of the BRCA2 gene, results from a C to A substitution at nucleotide position 6463. The leucine at codon 2155 is replaced by isoleucine, an amino acid with highly similar properties. This amino acid position is poorly conserved in available vertebrate species. In addition, this alteration is predicted to be tolerated by in silico analysis. Since supporting evidence is limited at this time, the clinical significance of this alteration remains unclear.

Literature cited by the submitters: PubMed 27907908 (cited by Ambry Genetics).